The following is an entry in ClinVar:

NM_001999.4(FBN2):c.5656C>T (p.Pro1886Ser)

Gene: FBN2 (fibrillin 2; minus strand). Cytogenetic location: 5q23.3.
Variant type: single nucleotide variant.
Coding change: c.5656C>T on transcript NM_001999.4 (MANE Select); coding-DNA position 5656, C replaced by T.
Protein change: p.Pro1886Ser; replaces proline 1886 with serine.
Molecular consequence: missense variant.
Genome position (GRCh38, 1-based): chr5:128,305,529, G>A on the plus strand (C>T on the coding strand, the complement: FBN2 is on the minus strand). VCF-style: chr5-128305529-G-A. GRCh37 (hg19) VCF-style: chr5-127641221-G-A.
Other names: short protein forms P1886S.
Identifiers: ClinVar variation 4772637 (VCV004772637.1).
Genomic context (GRCh38, chr5:128,305,529, plus strand): 5'-TCTTGTGCTCAGTGCCAAAGAATGAGTCAGCCTCTTTCTTACCTACACAGGCCCCATTGG[G>A]TGAAAGTTTGAAACCCGCGGCACATTCACAGCGGTAACTACCAGGACTATTGATGCAGTC-3'
Protein context (NP_001990.2, residues 1876-1896): CECAAGFKLS[Pro1886Ser]NGACVDRNEC

ClinVar aggregate classification (germline): Uncertain significance (1 of 4 stars; one submission).

Conditions:
Congenital contractural arachnodactyly (CCA). Also called: BEALS SYNDROME; Arthrogryposis, distal, type 9; Beals-Hecht syndrome. Identifiers: Orphanet 115, MedGen C0220668, MONDO:0007363, OMIM 121050.

gnomAD v4.1: 2 of 1,614,034 alleles (0.00012%); highest among the groups gnomAD compares: South Asian, 0.0011%; no homozygotes.

Submission:

Labcorp Genetics (formerly Invitae), Labcorp
Classification: Uncertain significance for Congenital contractural arachnodactyly. Last evaluated: 2025-07-08. Review status: criteria provided, single submitter. Criteria: Invitae Variant Classification Sherloc (09022015). Collection method: clinical testing. Allele origin: germline.
Comment: This sequence change replaces proline, which is neutral and non-polar, with serine, which is neutral and polar, at codon 1886 of the FBN2 protein (p.Pro1886Ser). This variant is present in population databases (no rsID available, gnomAD 0.0009%). This variant has not been reported in the literature in individuals affected with FBN2-related conditions. Invitae Evidence Modeling of protein sequence and biophysical properties (such as structural, functional, and spatial information, amino acid conservation, physicochemical variation, residue mobility, and thermodynamic stability) indicates that this missense variant is not expected to disrupt FBN2 protein function with a negative predictive value of 80%. In summary, the available evidence is currently insufficient to determine the role of this variant in disease. Therefore, it has been classified as a Variant of Uncertain Significance.